The following is an entry in ClinVar:

ClinVar aggregate classification (germline): Conflicting classifications of pathogenicity. Review status: criteria provided, conflicting classifications (1 of 4 stars). 3 submissions from 3 submitters: Uncertain significance (2); Likely benign (1). Last evaluated 2025-10-23.

Conditions:
Hereditary cancer-predisposing syndrome. Also called: Hereditary Cancer Syndrome; Tumor predisposition; Neoplastic Syndromes, Hereditary; Hereditary neoplastic syndrome. Identifiers: Orphanet 140162, MedGen C0027672, MeSH D009386, MONDO:0015356.
Idiopathic hypereosinophilic syndrome (HES). Identifiers: Orphanet 3260, MedGen C0206141, MONDO:0011895, OMIM 607685. Disease mechanism: gain of function.
Gastrointestinal stromal tumor. Also called: Gastrointestinal stromal tumor, somatic; Gastrointestinal stroma tumor. Identifiers: Orphanet 44890, MedGen C0238198, MeSH D046152, MONDO:0011719, OMIM 606764, HP:0100723.

Allele frequency attached by ClinVar (database versions not stated): gnomAD exomes below 0.00001 and 0.00001; ExAC 0.00001; TOPMed 0.00001.
gnomAD v4.1: 13 of 1,613,994 alleles (0.00081%); highest among the groups gnomAD compares: Middle Eastern, 0.033%; no homozygotes.

Submissions (3):

Labcorp Genetics (formerly Invitae), Labcorp
Classification: Uncertain significance for Gastrointestinal stromal tumor. Last evaluated: 2025-10-23. Review status: criteria provided, single submitter. Criteria: Invitae Variant Classification Sherloc (09022015). Collection method: clinical testing. Allele origin: germline.
Comment: This sequence change replaces valine, which is neutral and non-polar, with isoleucine, which is neutral and non-polar, at codon 193 of the PDGFRA protein (p.Val193Ile). This variant is present in population databases (rs774431464, gnomAD 0.004%). This variant has not been reported in the literature in individuals affected with PDGFRA-related conditions. ClinVar contains an entry for this variant (Variation ID: 580883). An algorithm developed to predict the effect of missense changes on protein structure and function outputs the following: PolyPhen-2: "Benign". The isoleucine amino acid residue is found in multiple mammalian species, which suggests that this missense change does not adversely affect protein function. Experimental studies have shown that this missense change does not substantially affect PDGFRA function (PMID: 30389923). In summary, the available evidence is currently insufficient to determine the role of this variant in disease. Therefore, it has been classified as a Variant of Uncertain Significance.

Ambry Genetics
Classification: Likely benign for Hereditary cancer-predisposing syndrome. Last evaluated: 2025-05-13. Review status: criteria provided, single submitter. Criteria: Ambry Variant Classification Scheme 2023. Collection method: clinical testing. Allele origin: germline.

Revvity Omics, Revvity
Classification: Uncertain significance for Idiopathic hypereosinophilic syndrome. Last evaluated: 2023-01-13. Review status: criteria provided, single submitter. Criteria: ACMG Guidelines, 2015. Collection method: clinical testing. Allele origin: germline.

Literature cited by the submitters: PubMed 30389923 (cited by Labcorp Genetics (formerly Invitae), Labcorp).

NM_006206.6(PDGFRA):c.577G>A (p.Val193Ile)

Gene: PDGFRA (platelet derived growth factor receptor alpha; plus strand). Cytogenetic location: 4q12.
Variant type: single nucleotide variant.
Coding change: c.577G>A on transcript NM_006206.6 (MANE Select); coding-DNA position 577, G replaced by A.
Protein change: p.Val193Ile; replaces valine 193 with isoleucine.
Molecular consequence: missense variant.
Genome position (GRCh38, 1-based): chr4:54,263,876, G>A. VCF-style: chr4-54263876-G-A. GRCh37 (hg19) VCF-style: chr4-55130043-G-A.
Other names: c.577G>A, p.Val193Ile (NM_001347827.2, NM_001347829.2); c.652G>A, p.Val218Ile (NM_001347828.2); c.616G>A, p.Val206Ile (NM_001347830.2); short protein forms V193I, V206I, V218I.
Identifiers: ClinVar variation 580883 (VCV000580883.13), dbSNP rs774431464, ClinGen allele CA2922314.